The following is an entry in ClinVar:

NM_016156.6(MTMR2):c.883C>T (p.Arg295Ter)

Gene: MTMR2 (myotubularin related protein 2; minus strand). Cytogenetic location: 11q21.
Variant type: single nucleotide variant.
Coding change: c.883C>T on transcript NM_016156.6 (MANE Select); coding-DNA position 883, C replaced by T.
Protein change: p.Arg295Ter; replaces arginine 295 with a stop codon.
Molecular consequence: nonsense.
Genome position (GRCh38, 1-based): chr11:95,849,784, G>A on the plus strand (C>T on the coding strand, the complement: MTMR2 is on the minus strand). VCF-style: chr11-95849784-G-A. GRCh37 (hg19) VCF-style: chr11-95582948-G-A.
Other names: c.667C>T, p.Arg223Ter (NM_001243571.2, NM_201278.3, NM_201281.3); short protein forms R295*, R223*.
Identifiers: ClinVar variation 684411 (VCV000684411.1), dbSNP rs1171462240, ClinGen allele CA382425486.
Genomic context (GRCh38, chr11:95,849,784, plus strand): 5'-TGTGAGACTGGGCATTGGAATCCATGATAGCTTGAAGGTATTTTTCATCTTCTTTGCTTC[G>A]CTTTCCACTCACTCCAACCATGGGCTGGCTACACCGAGTGATTGTGGCTTGACTTTCAGG-3'

ClinVar aggregate classification (germline): Pathogenic (1 of 4 stars; one submission).

Conditions:
Charcot-Marie-Tooth disease type 4B1. Also called: CHARCOT-MARIE-TOOTH DISEASE, AUTOSOMAL RECESSIVE, WITH FOCALLY FOLDED MYELIN SHEATHS, AUTOSOMAL RECESSIVE, TYPE 4B1; CHARCOT-MARIE-TOOTH DISEASE, TYPE 4B; CHARCOT-MARIE-TOOTH DISEASE, DEMYELINATING, TYPE 4B1; Charcot-Marie-Tooth Neuropathy Type 4B1. Identifiers: Orphanet 99955, MedGen C1832399, MONDO:0011066, OMIM 601382.

Allele frequency attached by ClinVar (database versions not stated): gnomAD 0.00001; TOPMed 0.00001.

Submission:

Cirak Lab, University Hospital Cologne
Classification: Pathogenic for Charcot-Marie-Tooth disease type 4B1. Last evaluated: 2019-04-01. Review status: criteria provided, single submitter. Criteria: ACMG Guidelines, 2015. Collection method: research. Allele origin: inherited. Affected: yes.
Comment: This variant was observed as a homozygote.